The following is an entry in ClinVar:

ClinVar aggregate classification (germline): Uncertain significance. Review status: criteria provided, multiple submitters, no conflicts (2 of 4 stars). 2 submissions from 2 submitters: Uncertain significance (2). Last evaluated 2025-09-27.

Conditions:
Aicardi-Goutieres syndrome 6 (AGS6). Identifiers: Orphanet 51, MedGen C3539013, MONDO:0014007, OMIM 615010.
Symmetrical dyschromatosis of extremities (DSH). Also called: Dyschromatosis symmetrica hereditaria; DYSCHROMATOSIS SYMMETRICA HEREDITARIA 1; RETICULATE ACROPIGMENTATION OF DOHI; SYMMETRIC DYSCHROMATOSIS OF THE EXTREMITIES. Identifiers: Orphanet 41, MedGen C0406775, MONDO:0007483, OMIM 127400.

Allele frequency attached by ClinVar (database versions not stated): gnomAD 0.00001; gnomAD exomes 0.00001 and 0.00004; TOPMed 0.00005; ExAC 0.00006; 1000 Genomes Project 30x 0.00016; 1000 Genomes Project 0.00020.
gnomAD v4.1: 17 of 1,614,184 alleles (0.0011%); highest among the groups gnomAD compares: East Asian, 0.038%; no homozygotes.

Submissions (2):

Labcorp Genetics (formerly Invitae), Labcorp
Classification: Uncertain significance for Aicardi-Goutieres syndrome 6; Symmetrical dyschromatosis of extremities. Last evaluated: 2025-09-27. Review status: criteria provided, single submitter. Criteria: Invitae Variant Classification Sherloc (09022015). Collection method: clinical testing. Allele origin: germline.
Comment: This sequence change falls in intron 10 of the ADAR gene. It does not directly change the encoded amino acid sequence of the ADAR protein. This variant is present in population databases (rs201213195, gnomAD 0.05%). This variant has been observed in individual(s) with dyschromatosis symmetrica hereditaria (PMID: 21933234). ClinVar contains an entry for this variant (Variation ID: 1046223). Algorithms developed to predict the effect of sequence changes on RNA splicing suggest that this variant is not likely to affect RNA splicing. In summary, the available evidence is currently insufficient to determine the role of this variant in disease. Therefore, it has been classified as a Variant of Uncertain Significance.

Blueprint Genetics
Classification: Uncertain significance. Last evaluated: 2023-05-24. Review status: criteria provided, single submitter. Criteria: ACMG Guidelines, 2015. Collection method: clinical testing. Allele origin: germline.

Literature cited by the submitters: PubMed 21933234 (cited by Labcorp Genetics (formerly Invitae), Labcorp).

NM_001111.5(ADAR):c.2886-5T>C

Gene: ADAR (adenosine deaminase RNA specific; minus strand). Cytogenetic location: 1q21.3.
Variant type: single nucleotide variant.
Coding change: c.2886-5T>C on transcript NM_001111.5 (MANE Select); 5 bases into the intron before coding-DNA position 2886, T replaced by C.
Molecular consequence: intron variant.
Genome position (GRCh38, 1-based): chr1:154,588,263, A>G on the plus strand (T>C on the coding strand, the complement: ADAR is on the minus strand). VCF-style: chr1-154588263-A-G. GRCh37 (hg19) VCF-style: chr1-154560739-A-G.
Other names: c.2001-5T>C (NM_001365046.1, NM_001025107.3, NM_001365048.1 and 2 more transcripts); c.2913-5T>C (NM_001365045.1); c.1923-5T>C (NM_001365049.1); c.2751-5T>C (NM_015841.4); c.2808-5T>C (NM_015840.4).
Identifiers: ClinVar variation 1046223 (VCV001046223.10), dbSNP rs201213195, ClinGen allele CA1131108.